The following is an entry in ClinVar:

ClinVar aggregate classification (germline): Conflicting classifications of pathogenicity. Review status: criteria provided, conflicting classifications (1 of 4 stars). 2 submissions from 2 submitters: Uncertain significance (1); Likely benign (1). Last evaluated 2025-07-06.

Conditions:
Developmental and epileptic encephalopathy, 42 (DEE42A). Also called: Epileptic encephalopathy, early infantile, 42; DEVELOPMENTAL AND EPILEPTIC ENCEPHALOPATHY 42A; EPILEPTIC ENCEPHALOPATHY, EARLY INFANTILE, 42A. Identifiers: MedGen C4310716, MONDO:0014917, OMIM 617106.
Episodic ataxia type 2 (EA2). Also called: ACETAZOLAMIDE-RESPONSIVE HEREDITARY PAROXYSMAL CEREBELLAR ATAXIA; ATAXIA, FAMILIAL PAROXYSMAL; CEREBELLAR ATAXIA, PAROXYSMAL, ACETAZOLAMIDE-RESPONSIVE; CEREBELLOPATHY, HEREDITARY PAROXYSMAL; EPISODIC ATAXIA, NYSTAGMUS-ASSOCIATED; ATAXIA, EPISODIC, WITH NYSTAGMUS. Identifiers: Orphanet 97, MedGen C1720416, MONDO:0007163, OMIM 108500.

Allele frequency attached by ClinVar (database versions not stated): gnomAD 0.00001; gnomAD exomes 0.00001 and 0.00002; ExAC 0.00004; 1000 Genomes Project 30x 0.00016; 1000 Genomes Project 0.00020.
gnomAD v4.1: 20 of 1,613,344 alleles (0.0012%); highest among the groups gnomAD compares: South Asian, 0.011%; no homozygotes.

Submissions (2):

Labcorp Genetics (formerly Invitae), Labcorp
Classification: Likely benign for Developmental and epileptic encephalopathy, 42; Episodic ataxia type 2. Last evaluated: 2025-07-06. Review status: criteria provided, single submitter. Criteria: Invitae Variant Classification Sherloc (09022015). Collection method: clinical testing. Allele origin: germline.

GeneDx
Classification: Uncertain significance. Last evaluated: 2024-04-01. Review status: criteria provided, single submitter. Criteria: GeneDx Variant Classification Process June 2021. Collection method: clinical testing. Allele origin: germline. Affected: yes.
Comment: In silico analysis supports that this missense variant does not alter protein structure/function; Has not been previously published as pathogenic or benign to our knowledge

NM_001127222.2(CACNA1A):c.3238G>A (p.Ala1080Thr)

Gene: CACNA1A (calcium voltage-gated channel subunit alpha1 A; minus strand). Cytogenetic location: 19p13.13.
Variant type: single nucleotide variant.
Coding change: c.3238G>A on transcript NM_001127222.2 (MANE Select); coding-DNA position 3238, G replaced by A.
Protein change: p.Ala1080Thr; replaces alanine 1080 with threonine.
Molecular consequence: missense variant.
Genome position (GRCh38, 1-based): chr19:13,286,818, C>T on the plus strand (G>A on the coding strand, the complement: CACNA1A is on the minus strand). VCF-style: chr19-13286818-C-T. GRCh37 (hg19) VCF-style: chr19-13397632-C-T.
Other names: c.3250G>A, p.Ala1084Thr (NM_000068.4, NM_023035.3); c.3241G>A, p.Ala1081Thr (NM_001127221.2, NM_001174080.2); short protein forms A1081T, A1080T, A1084T.
Identifiers: ClinVar variation 661609 (VCV000661609.8), dbSNP rs577581172, ClinGen allele CA9240381.
Genomic context (GRCh38, chr19:13,286,818, plus strand): 5'-TGTTTCCCATCTTGGCTGGGCTCTGGGGCAGGCCGGCGTGGCCAAGGCTGCCGTGGGGAG[C>T]GGCCGACTCCGCGGTGGCCAGCTTGTTGTTCTTCATGTTGTCAATATCCTCTGCCAGGGG-3'
Protein context (NP_001120694.1, residues 1070-1090): NNKLATAESA[Ala1080Thr]PHGSLGHAGL